The following is an entry in ClinVar:

ClinVar aggregate classification (germline): Uncertain significance (1 of 4 stars; one submission).

Conditions:
Intellectual developmental disorder with autism and macrocephaly. Also called: CHD8-Related Neurodevelopmental Disorder with Overgrowth; Autism, susceptibility to, 18. Identifiers: Orphanet 642675, MedGen C3554373, MONDO:0014017, OMIM 615032.

Submission:

Neuberg Centre For Genomic Medicine, NCGM
Classification: Uncertain significance for Intellectual developmental disorder with autism and macrocephaly. Review status: criteria provided, single submitter. Criteria: ACMG Guidelines, 2015. Collection method: clinical testing. Allele origin: germline. Inheritance: Autosomal dominant inheritance. Affected: yes.
Comment: The observed missense variant c.7474C>T(p.Leu2492Phe) in the CHD8 gene has not been reported previously as a pathogenic variant nor as a benign variant, to our knowledge. This variant is absent in the gnomAD Exomes. The amino acid Leu at position 2492 is changed to a Phe changing protein sequence and it might alter its composition and physico-chemical properties. Multiple lines of computational evidence (Polyphen - Damaging, SIFT - Damaging and MutationTaster - Disease causing) predict a damaging effect on protein structure and function for this variant. The residue is conserved by GERP++ and PhyloP across 100 vertebrates. For these reasons, this variant has been classified as Uncertain Significance.

NM_001170629.2(CHD8):c.7474C>T (p.Leu2492Phe)

Gene: CHD8 (chromodomain helicase DNA binding protein 8; minus strand). Cytogenetic location: 14q11.2.
Variant type: single nucleotide variant.
Coding change: c.7474C>T on transcript NM_001170629.2 (MANE Select); coding-DNA position 7474, C replaced by T.
Protein change: p.Leu2492Phe; replaces leucine 2492 with phenylalanine.
Molecular consequence: missense variant.
Genome position (GRCh38, 1-based): chr14:21,385,885, G>A on the plus strand (C>T on the coding strand, the complement: CHD8 is on the minus strand). VCF-style: chr14-21385885-G-A. GRCh37 (hg19) VCF-style: chr14-21854044-G-A.
Other names: c.6637C>T, p.Leu2213Phe (NM_020920.4); short protein forms L2213F, L2492F.
Identifiers: ClinVar variation 3731463 (VCV003731463.1).